The following is an entry in ClinVar:

ClinVar aggregate classification (germline): Likely benign (1 of 4 stars; one submission).

gnomAD v4.1: 53 of 1,613,262 alleles (0.0033%); highest among the groups gnomAD compares: South Asian, 0.0077%; no homozygotes.

Submission:

CeGaT Center for Human Genetics Tuebingen
Classification: Likely benign. Last evaluated: 2026-07-01. Review status: criteria provided, single submitter. Criteria: CeGaT Center For Human Genetics Tuebingen Variant Classification Criteria Version 2. Collection method: clinical testing. Allele origin: germline. Affected: yes. Observed: 1 variant allele.
Comment: SMARCC1: BP4, BP7

NM_003074.4(SMARCC1):c.3297G>T (p.Pro1099=)

Gene: SMARCC1 (SWI/SNF related BAF chromatin remodeling complex subunit C1; minus strand). Cytogenetic location: 3p21.31.
Variant type: single nucleotide variant.
Coding change: c.3297G>T on transcript NM_003074.4 (MANE Select); coding-DNA position 3297, G replaced by T.
Protein change: p.Pro1099=; no amino-acid change (proline 1099 retained).
Molecular consequence: synonymous variant.
Genome position (GRCh38, 1-based): chr3:47,588,230, C>A on the plus strand (G>T on the coding strand, the complement: SMARCC1 is on the minus strand). VCF-style: chr3-47588230-C-A. GRCh37 (hg19) VCF-style: chr3-47629720-C-A.
Identifiers: ClinVar variation 5039286 (VCV005039286.1).
Genomic context (GRCh38, chr3:47,588,230, plus strand): 5'-TCATGGTGGTGGGCGTGGAGGTTCCCTGCATCTTCCAGGCTAAGGAGCAGCTGAGGCTGG[C>A]GGGCCAGGAGCAGGAGGCGGAGGGACCCCATCTGCAGGTGGTGGTGGCGGTGGCTGCTGC-3'
Protein context (NP_003065.3, residues 1089-1105): DGVPPPPAPG[Pro1099=]PASAAP